The following is an entry in ClinVar:

ClinVar aggregate classification (germline): Uncertain significance. Review status: criteria provided, multiple submitters, no conflicts (2 of 4 stars). 3 submissions from 3 submitters: Uncertain significance (2). 1 of the submissions does not count toward it. Last evaluated 2025-05-18.

Conditions:
Hereditary cancer-predisposing syndrome. Also called: Hereditary Cancer Syndrome; Hereditary neoplastic syndrome; Neoplastic Syndromes, Hereditary; Tumor predisposition. Identifiers: Orphanet 140162, MedGen C0027672, MeSH D009386, MONDO:0015356.
Hereditary breast ovarian cancer syndrome. Also called: Hereditary breast and ovarian cancer syndrome (HBOC); Breast and ovarian cancer; BRCA1- and BRCA2-Associated Hereditary Breast and Ovarian Cancer; Hereditary breast and/or ovarian cancer syndrome; Hereditary breast and ovarian cancer; Hereditary breast and ovarian cancer syndrome. Identifiers: Orphanet 145, MedGen C0677776, MeSH D061325, MONDO:0003582. Disease mechanism: loss of function.

Allele frequency attached by ClinVar (database versions not stated): gnomAD exomes below 0.00001.
gnomAD v4.1: 1 of 1,609,992 alleles (0.000062%); highest among the groups gnomAD compares: Non-Finnish European, 0.000085%; no homozygotes.

Submissions (3):

Labcorp Genetics (formerly Invitae), Labcorp
Classification: Uncertain significance for Hereditary breast ovarian cancer syndrome. Last evaluated: 2025-05-18. Review status: criteria provided, single submitter. Criteria: Invitae Variant Classification Sherloc (09022015). Collection method: clinical testing. Allele origin: germline.
Comment: This sequence change replaces serine, which is neutral and polar, with arginine, which is basic and polar, at codon 104 of the BRCA1 protein (p.Ser104Arg). This variant is not present in population databases (gnomAD no frequency). This variant has not been reported in the literature in individuals affected with BRCA1-related conditions. ClinVar contains an entry for this variant (Variation ID: 433689). Invitae Evidence Modeling of protein sequence and biophysical properties (such as structural, functional, and spatial information, amino acid conservation, physicochemical variation, residue mobility, and thermodynamic stability) indicates that this missense variant is expected to disrupt BRCA1 protein function with a positive predictive value of 80%. In summary, the available evidence is currently insufficient to determine the role of this variant in disease. Therefore, it has been classified as a Variant of Uncertain Significance.

Ambry Genetics
Classification: Uncertain significance for Hereditary cancer-predisposing syndrome. Last evaluated: 2024-06-07. Review status: criteria provided, single submitter. Criteria: Ambry Variant Classification Scheme 2023. Collection method: clinical testing. Allele origin: germline.
Comment: The p.S104R variant (also known as c.312C>A), located in coding exon 5 of the BRCA1 gene, results from a C to A substitution at nucleotide position 312. The serine at codon 104 is replaced by arginine, an amino acid with dissimilar properties. This amino acid position is well conserved in available vertebrate species. In addition, this alteration is predicted to be deleterious by in silico analysis. Based on the available evidence, the clinical significance of this variant remains unclear.

Department of Pathology and Laboratory Medicine, Sinai Health System
Classification: Uncertain significance. Review status: no assertion criteria provided. Collection method: clinical testing. Allele origin: unknown. Affected: yes. Observed: 2 variant alleles. Study: The Canadian Open Genetics Repository (COGR). Not counted in ClinVar's aggregate classification.

NM_007294.4(BRCA1):c.312C>A (p.Ser104Arg)

Gene: BRCA1 (BRCA1 DNA repair associated; minus strand). Cytogenetic location: 17q21.31.
Variant type: single nucleotide variant.
Coding change: c.312C>A on transcript NM_007294.4 (MANE Select); coding-DNA position 312, C replaced by A.
Protein change: p.Ser104Arg; replaces serine 104 with arginine.
Molecular consequence: missense variant. On other transcripts: non-coding transcript variant (1).
Genome position (GRCh38, 1-based): chr17:43,104,251, G>T on the plus strand (C>A on the coding strand, the complement: BRCA1 is on the minus strand). VCF-style: chr17-43104251-G-T. GRCh37 (hg19) VCF-style: chr17-41256268-G-T.
Other names: c.312C>A, p.Ser104Arg (NM_001407625.1, NM_001407626.1, NM_001407627.1 and 165 more transcripts); c.303C>A, p.Ser101Arg (NM_001407646.1, NM_001407647.1, NM_001408408.1); c.234C>A, p.Ser78Arg (NM_001407653.1, NM_001407654.1, NM_001407655.1 and 21 more transcripts); c.171C>A, p.Ser57Arg (NM_001407692.1, NM_001407694.1, NM_001407695.1 and 99 more transcripts); c.102C>A, p.Ser34Arg (NM_001407853.1, NM_001407879.1, NM_001407881.1 and 58 more transcripts); c.-70C>A (NM_001407959.1, NM_001407960.1, NM_001407962.1 and 4 more transcripts); c.180C>A, p.Ser60Arg (NM_001408451.1); short protein forms S104R, S57R, S34R, S101R, S78R, S60R.
Identifiers: ClinVar variation 433689 (VCV000433689.11), dbSNP rs766484283, ClinGen allele CA10601526.
Genomic context (GRCh38, chr17:43,104,251, plus strand): 5'-GATAGAAACTTCATCTTTTAGATGTTCAGGAGAGTTATTTTCCTTTTTTGCAAAATTATA[G>T]CTGTTTGCATCTGTAAAATACAAGGGAAAACATTATGTTTGCAGTTAGAGAAAAATGTAT-3'
Protein context (NP_009225.1, residues 94-114): QLDTGLEYAN[Ser104Arg]YNFAKKENNS